The following is an entry in ClinVar:

ClinVar aggregate classification (germline): Likely benign (1 of 4 stars; one submission).

Allele frequency attached by ClinVar (database versions not stated): ExAC 0.00006.

Submission:

CeGaT Center for Human Genetics Tuebingen
Classification: Likely benign. Last evaluated: 2023-10-01. Review status: criteria provided, single submitter. Criteria: CeGaT Center For Human Genetics Tuebingen Variant Classification Criteria Version 2. Collection method: clinical testing. Allele origin: germline. Affected: yes. Observed: 1 variant allele.
Comment: AHNAK2: BP4, BS2

NM_138420.4(AHNAK2):c.4282G>C (p.Gly1428Arg)

Gene: AHNAK2 (AHNAK nucleoprotein 2; minus strand). Cytogenetic location: 14q32.33.
Variant type: single nucleotide variant.
Coding change: c.4282G>C on transcript NM_138420.4 (MANE Select); coding-DNA position 4282, G replaced by C.
Protein change: p.Gly1428Arg; replaces glycine 1428 with arginine.
Molecular consequence: missense variant.
Genome position (GRCh38, 1-based): chr14:104,951,169, C>G on the plus strand (G>C on the coding strand, the complement: AHNAK2 is on the minus strand). VCF-style: chr14-104951169-C-G. GRCh37 (hg19) VCF-style: chr14-105417506-C-G.
Other names: c.3982G>C, p.Gly1328Arg (NM_001350929.2); short protein forms G1328R, G1428R.
Identifiers: ClinVar variation 2644833 (VCV002644833.24), dbSNP rs773444783, ClinGen allele CA7382547.